The following is an entry in ClinVar:

NM_007294.4(BRCA1):c.3362A>T (p.Asn1121Ile)

Genes: BRCA1 (BRCA1 DNA repair associated; minus strand), LOC126862571 (BRD4-independent group 4 enhancer GRCh37_chr17:41243136-41244335; plus strand). Cytogenetic location: 17q21.31.
Variant type: single nucleotide variant.
Coding change: c.3362A>T on transcript NM_007294.4 (MANE Select); coding-DNA position 3362, A replaced by T.
Protein change: p.Asn1121Ile; replaces asparagine 1121 with isoleucine.
Molecular consequence: missense variant. On other transcripts: intron variant (137).
Genome position (GRCh38, 1-based): chr17:43,092,169, T>A on the plus strand (A>T on the coding strand, the complement: BRCA1 is on the minus strand). VCF-style: chr17-43092169-T-A. GRCh37 (hg19) VCF-style: chr17-41244186-T-A.
Other names: c.3152A>T, p.Asn1051Ile (NM_001407887.1, NM_001407889.1, NM_001407900.1 and 13 more transcripts); c.3149A>T, p.Asn1050Ile (NM_001407894.1, NM_001407895.1, NM_001407896.1 and 9 more transcripts); c.3362A>T, p.Asn1121Ile (NM_001407581.1, NM_001407582.1, NM_001407583.1 and 30 more transcripts); c.3359A>T, p.Asn1120Ile (NM_001407587.1, NM_001407590.1, NM_001407591.1 and 22 more transcripts); c.3353A>T, p.Asn1118Ile (NM_001407646.1, NM_001407647.1); c.3239A>T, p.Asn1080Ile (NM_001407648.1, NM_001407664.1, NM_001407665.1 and 19 more transcripts); c.3236A>T, p.Asn1079Ile (NM_001407649.1, NM_001407670.1, NM_001407671.1 and 11 more transcripts); c.3284A>T, p.Asn1095Ile (NM_001407653.1, NM_001407654.1, NM_001407655.1 and 4 more transcripts); and 41 more; short protein forms N1009I, N1010I, N1032I, N1054I, N1074I, N1095I, N994I, N1033I.
Identifiers: ClinVar variation 1730625 (VCV001730625.4), dbSNP rs80356919, ClinGen allele CA10595256.
Genomic context (GRCh38, chr17:43,092,169, plus strand): 5'-TGACTACTTCCCATAGGCTGTTCTAAGTTATCTGAAATCAGATATGGAGAGAAATCTGTA[T>A]TAACAGTCTGAACTACTTCTTCATATTCTTGCTTTTTTATTTCAGGATGCTTACAATTAC-3'
Protein context (NP_009225.1, residues 1111-1131): QEYEEVVQTV[Asn1121Ile]TDFSPYLISD

ClinVar aggregate classification (germline): Conflicting classifications of pathogenicity. Review status: criteria provided, conflicting classifications (1 of 4 stars). 2 submissions from 2 submitters: Uncertain significance (1); Likely benign (1). Last evaluated 2023-03-23.

Conditions:
Hereditary cancer-predisposing syndrome. Also called: Neoplastic Syndromes, Hereditary; Tumor predisposition; Hereditary Cancer Syndrome; Hereditary neoplastic syndrome. Identifiers: Orphanet 140162, MedGen C0027672, MeSH D009386, MONDO:0015356.

Submissions (2):

University of Washington Department of Laboratory Medicine, University of Washington
Classification: Likely benign for Hereditary cancer-predisposing syndrome. Last evaluated: 2023-03-23. Review status: criteria provided, single submitter. Criteria: Dines et al. (Genet Med. 2020). Collection method: curation. Allele origin: germline.
Comment: Missense variant in a coldspot region where missense variants are very unlikely to be pathogenic (PMID:31911673).

BRCA1 coldspot (exon 11 using historical exon numbering). Reclassification based on statistical prior probability

Ambry Genetics
Classification: Uncertain significance for Hereditary cancer-predisposing syndrome. Last evaluated: 2020-10-29. Review status: criteria provided, single submitter. Criteria: Ambry Variant Classification Scheme 2023. Collection method: clinical testing. Allele origin: germline.
Comment: The p.N1121I variant (also known as c.3362A>T), located in coding exon 9 of the BRCA1 gene, results from an A to T substitution at nucleotide position 3362. The asparagine at codon 1121 is replaced by isoleucine, an amino acid with dissimilar properties. This amino acid position is poorly conserved in available vertebrate species. In addition, the in silico prediction for this alteration is inconclusive. Since supporting evidence is limited at this time, the clinical significance of this alteration remains unclear.